The following is an entry in ClinVar:

ClinVar aggregate classification (germline): Uncertain significance (1 of 4 stars; one submission).

Conditions:
Encephalopathy, acute, infection-induced (herpes-specific), susceptibility to, 1. Also called: Herpes simplex encephalitis, susceptibility to, 1. Identifiers: Orphanet 1930, MedGen C2750180, MONDO:0024563, OMIM 610551.

Allele frequency attached by ClinVar (database versions not stated): gnomAD 0.00001; gnomAD exomes 0.00001; TOPMed 0.00002.
gnomAD v4.1: 19 of 1,208,488 alleles (0.0016%); highest among the groups gnomAD compares: African/African-American, 0.0076%; no homozygotes.

Submission:

Labcorp Genetics (formerly Invitae), Labcorp
Classification: Uncertain significance for Encephalopathy, acute, infection-induced (herpes-specific), susceptibility to, 1. Last evaluated: 2022-05-20. Review status: criteria provided, single submitter. Criteria: Invitae Variant Classification Sherloc (09022015). Collection method: clinical testing. Allele origin: germline.
Comment: This sequence change replaces serine, which is neutral and polar, with leucine, which is neutral and non-polar, at codon 489 of the UNC93B1 protein (p.Ser489Leu). This variant is present in population databases (rs765034492, gnomAD 0.02%). This variant has not been reported in the literature in individuals affected with UNC93B1-related conditions. ClinVar contains an entry for this variant (Variation ID: 1054392). Experimental studies and prediction algorithms are not available or were not evaluated, and the functional significance of this variant is currently unknown. In summary, the available evidence is currently insufficient to determine the role of this variant in disease. Therefore, it has been classified as a Variant of Uncertain Significance.

NM_030930.4(UNC93B1):c.1466C>T (p.Ser489Leu)

Gene: UNC93B1 (unc-93B1 regulator of TLR signaling; minus strand). Cytogenetic location: 11q13.2.
Variant type: single nucleotide variant.
Coding change: c.1466C>T on transcript NM_030930.4 (MANE Select); coding-DNA position 1466, C replaced by T.
Protein change: p.Ser489Leu; replaces serine 489 with leucine.
Molecular consequence: missense variant.
Genome position (GRCh38, 1-based): chr11:67,993,692, G>A on the plus strand (C>T on the coding strand, the complement: UNC93B1 is on the minus strand). VCF-style: chr11-67993692-G-A. GRCh37 (hg19) VCF-style: chr11-67761163-G-A.
Other names: short protein forms S489L.
Identifiers: ClinVar variation 1054392 (VCV001054392.8), dbSNP rs765034492, ClinGen allele CA6145374.